The following is an entry in ClinVar:

NM_020338.4(ZMIZ1):c.1921C>T (p.Arg641Cys)

Gene: ZMIZ1 (zinc finger MIZ-type containing 1; plus strand). Cytogenetic location: 10q22.3.
Variant type: single nucleotide variant.
Coding change: c.1921C>T on transcript NM_020338.4 (MANE Select); coding-DNA position 1921, C replaced by T.
Protein change: p.Arg641Cys; replaces arginine 641 with cysteine.
Molecular consequence: missense variant.
Genome position (GRCh38, 1-based): chr10:79,300,844, C>T. VCF-style: chr10-79300844-C-T. GRCh37 (hg19) VCF-style: chr10-81060601-C-T.
Other names: short protein forms R641C.
Identifiers: ClinVar variation 2626904 (VCV002626904.1), dbSNP rs1854250734, ClinGen allele CA377339428.

ClinVar aggregate classification (germline): Uncertain significance (1 of 4 stars; one submission).

Allele frequency attached by ClinVar (database versions not stated): gnomAD exomes below 0.00001.
gnomAD v4.1: 3 of 1,613,654 alleles (0.00019%); highest among the groups gnomAD compares: Non-Finnish European, 0.00025%; no homozygotes.

Submission:

Greenwood Genetic Center Diagnostic Laboratories, Greenwood Genetic Center
Classification: Uncertain significance. Last evaluated: 2023-08-25. Review status: criteria provided, single submitter. Criteria: ACMG Guidelines, 2015. Collection method: clinical testing. Allele origin: germline. Affected: yes.
Comment: PM2